The following is an entry in ClinVar:

ClinVar aggregate classification (germline): Likely pathogenic (1 of 4 stars; one submission).

Conditions:
Nephrotic syndrome, type 21. Identifiers: MedGen C5231498, MONDO:0032826, OMIM 618594.

Submission:

Variantyx, Inc.
Classification: Likely pathogenic for Nephrotic syndrome, type 21. Last evaluated: 2025-08-18. Review status: criteria provided, single submitter. Criteria: Variantyx Assertion Criteria 2022. Collection method: clinical testing. Allele origin: germline. Inheritance: Autosomal recessive inheritance. Affected: no.
Comment: This is a frameshift variant in the AVIL gene (OMIM: 613397). Pathogenic variants in this gene have been associated with autosomal recessive nephrotic syndrome type 21. This variant introduces a premature termination codon in exon 3 out of 6 and is expected to result in loss of function, which is a known disease mechanism for AVIL in this disorder (PVS1) (PMID:29058690). This variant has a 0.0217% maximum allele frequency in non-founder control populations (PM2). This variant has not been reported in individuals with AVIL-related disorders in the databases available for review. Based on the current evidence, this variant is classified as likely pathogenic for autosomal recessive nephrotic syndrome type 21.

Literature cited by the submitters: PubMed 29058690.

NM_006576.4(AVIL):c.121del (p.Asp41fs)

Gene: AVIL (advillin; minus strand). Cytogenetic location: 12q14.1.
Variant type: Deletion.
Coding change: c.121del on transcript NM_006576.4 (MANE Select); coding-DNA position 121, one base deleted (G; older notation c.121delG).
Protein change: p.Asp41fs; shifts the reading frame from aspartic acid 41.
Molecular consequence: frameshift variant.
Genome position (GRCh38, 1-based): chr12:57,814,172, C deleted on the plus strand (G on the coding strand, the reverse complement: AVIL is on the minus strand); the first of 5 consecutive C bases (chr12:57,814,172-57,814,176); deleting any one gives the same sequence. VCF-style (leftmost placement, unchanged base first): chr12-57814171-TC-T. GRCh37 (hg19) VCF-style: chr12-58207954-TC-T.
Other names: short protein forms D41fs.
Identifiers: ClinVar variation 4850182 (VCV004850182.1).